The following is an entry in ClinVar:

NM_001048174.2(MUTYH):c.884T>G (p.Leu295Arg)

Gene: MUTYH (mutY DNA glycosylase; minus strand). Cytogenetic location: 1p34.1.
Variant type: single nucleotide variant.
Coding change: c.884T>G on transcript NM_001048174.2 (MANE Select); coding-DNA position 884, T replaced by G.
Protein change: p.Leu295Arg; replaces leucine 295 with arginine.
Molecular consequence: missense variant. On other transcripts: non-coding transcript variant (7).
Genome position (GRCh38, 1-based): chr1:45,332,052, A>C on the plus strand (T>G on the coding strand, the complement: MUTYH is on the minus strand). VCF-style: chr1-45332052-A-C. GRCh37 (hg19) VCF-style: chr1-45797724-A-C.
Other names: c.926T>G, p.Leu309Arg (NM_001407083.1, NM_001407085.1); c.887T>G, p.Leu296Arg (NM_001407086.1, NM_001048172.2, NM_001407071.1 and 1 more transcripts); c.905T>G, p.Leu302Arg (NM_001407087.1); c.884T>G, p.Leu295Arg (NM_001407088.1, NM_001048173.2, NM_001293195.2 and 6 more transcripts); c.608T>G, p.Leu203Arg (NM_001293192.2, NM_001293196.2, NM_001407091.1); c.929T>G, p.Leu310Arg (NM_001293190.2); c.917T>G, p.Leu306Arg (NM_001293191.2, NM_001407069.1, NM_001407077.1); c.968T>G, p.Leu323Arg (NM_001128425.2); and 5 more; short protein forms L267R, L281R, L282R, L295R, L302R, L309R, L323R, L296R.
Identifiers: ClinVar variation 4113968 (VCV004113968.1).

ClinVar aggregate classification (germline): Uncertain significance (1 of 4 stars; one submission).

Conditions:
Hereditary cancer-predisposing syndrome. Also called: Hereditary neoplastic syndrome; Neoplastic Syndromes, Hereditary; Tumor predisposition; Hereditary Cancer Syndrome. Identifiers: Orphanet 140162, MedGen C0027672, MeSH D009386, MONDO:0015356.

Submission:

Ambry Genetics
Classification: Uncertain significance for Hereditary cancer-predisposing syndrome. Last evaluated: 2025-08-27. Review status: criteria provided, single submitter. Criteria: Ambry Variant Classification Scheme 2023. Collection method: clinical testing. Allele origin: germline.
Comment: The p.L323R variant (also known as c.968T>G), located in coding exon 11 of the MUTYH gene, results from a T to G substitution at nucleotide position 968. The leucine at codon 323 is replaced by arginine, an amino acid with dissimilar properties. This amino acid position is conserved. In addition, this alteration is predicted to be tolerated by in silico analysis. Based on the available evidence, the clinical significance of this variant remains unclear.